The following is an entry in ClinVar:

NM_003590.5(CUL3):c.1880T>A (p.Leu627His)

Gene: CUL3 (cullin 3; minus strand). Cytogenetic location: 2q36.2.
Variant type: single nucleotide variant.
Coding change: c.1880T>A on transcript NM_003590.5 (MANE Select); coding-DNA position 1880, T replaced by A.
Protein change: p.Leu627His; replaces leucine 627 with histidine.
Molecular consequence: missense variant.
Genome position (GRCh38, 1-based): chr2:224,482,041, A>T on the plus strand (T>A on the coding strand, the complement: CUL3 is on the minus strand). VCF-style: chr2-224482041-A-T. GRCh37 (hg19) VCF-style: chr2-225346758-A-T.
Other names: c.1682T>A, p.Leu561His (NM_001257197.2); c.1898T>A, p.Leu633His (NM_001257198.2); short protein forms L561H, L627H, L633H.
Identifiers: ClinVar variation 2502629 (VCV002502629.1), dbSNP rs2106152278, ClinGen allele CA350822919.

ClinVar aggregate classification (germline): Uncertain significance (1 of 4 stars; one submission).

Submission:

GeneDx
Classification: Uncertain significance. Last evaluated: 2022-11-21. Review status: criteria provided, single submitter. Criteria: GeneDx Variant Classification Process June 2021. Collection method: clinical testing. Allele origin: germline. Affected: yes.
Comment: Not observed at significant frequency in large population cohorts (gnomAD); In silico analysis supports that this missense variant has a deleterious effect on protein structure/function; Has not been previously published as pathogenic or benign to our knowledge